The following is an entry in ClinVar:

ClinVar aggregate classification (germline): Benign. Review status: criteria provided, multiple submitters, no conflicts (2 of 4 stars). 3 submissions from 3 submitters: Benign (3). Last evaluated 2023-11-12.

Allele frequency attached by ClinVar (database versions not stated): 1000 Genomes Project 30x 0.13351; 1000 Genomes Project 0.13538; TOPMed 0.21450; gnomAD 0.23002 and 0.23469; gnomAD exomes 0.28765.
gnomAD v4.1: 325,683 of 1,167,110 alleles (28%); highest among the groups gnomAD compares: Non-Finnish European, 32%; 50,023 homozygotes.

Submissions (3):

Unidad de Genómica Garrahan, Hospital de Pediatría Garrahan
Classification: Benign. Last evaluated: 2023-11-12. Review status: criteria provided, single submitter. Criteria: ACMG Guidelines, 2015. Collection method: clinical testing. Allele origin: germline. Affected: no. Observed: 34 variant alleles.
Comment: This variant is classified as Benign based on local population frequency. This variant was detected in 35% of patients studied by a panel of primary immunodeficiencies. Number of patients: 34. Only high quality variants are reported.

GeneDx
Classification: Benign. Last evaluated: 2021-03-27. Review status: criteria provided, single submitter. Criteria: GeneDx Variant Classification Process June 2021. Collection method: clinical testing. Allele origin: germline. Affected: yes.

Breakthrough Genomics
Classification: Benign. Review status: criteria provided, single submitter. Criteria: ACMG Guidelines, 2015. Collection method: not provided. Allele origin: germline. Inheritance: Autosomal recessive inheritance. Affected: yes.

NM_024570.4(RNASEH2B):c.823-80A>T

Gene: RNASEH2B (ribonuclease H2 subunit B; plus strand). Cytogenetic location: 13q14.3.
Variant type: single nucleotide variant.
Coding change: c.823-80A>T on transcript NM_024570.4 (MANE Select); 80 bases into the intron before coding-DNA position 823, A replaced by T.
Molecular consequence: intron variant.
Genome position (GRCh38, 1-based): chr13:50,956,278, A>T. VCF-style: chr13-50956278-A-T. GRCh37 (hg19) VCF-style: chr13-51530414-A-T.
Other names: c.741+6773A>T (NM_001142279.2).
Identifiers: ClinVar variation 1257945 (VCV001257945.5), dbSNP rs1328360, ClinGen allele CA15773882.